The following is an entry in ClinVar:

ClinVar aggregate classification (germline): Uncertain significance. Review status: criteria provided, multiple submitters, no conflicts (2 of 4 stars). 2 submissions from 2 submitters: Uncertain significance (2). Last evaluated 2023-12-27.

Conditions:
Short-rib thoracic dysplasia 7 with or without polydactyly (SRTD7). Also called: Short rib polydactyly syndrome 5; SHORT-RIB THORACIC DYSPLASIA 7 WITH POLYDACTYLY. Identifiers: Orphanet 498497, Orphanet 93271, MedGen C3279792, MONDO:0013569, OMIM 614091.
Cranioectodermal dysplasia 2 (CED2). Identifiers: Orphanet 1515, MedGen C3150874, MONDO:0013323, OMIM 613610.

gnomAD v4.1: 156 of 1,614,168 alleles (0.0097%); highest among the groups gnomAD compares: East Asian, 0.35%; 2 homozygotes.

Submissions (2):

Fulgent Genetics
Classification: Uncertain significance for Cranioectodermal dysplasia 2; Short-rib thoracic dysplasia 7 with or without polydactyly. Last evaluated: 2023-12-27. Review status: criteria provided, single submitter. Criteria: ACMG Guidelines, 2015. Collection method: clinical testing. Allele origin: germline.

GeneDx
Classification: Uncertain significance. Last evaluated: 2023-06-16. Review status: criteria provided, single submitter. Criteria: GeneDx Variant Classification Process June 2021. Collection method: clinical testing. Allele origin: germline. Affected: yes.
Comment: In silico analysis supports that this missense variant does not alter protein structure/function; Has not been previously published as pathogenic or benign to our knowledge

NM_020779.4(WDR35):c.43G>C (p.Val15Leu)

Gene: WDR35 (WD repeat domain 35; minus strand). Cytogenetic location: 2p24.1.
Variant type: single nucleotide variant.
Coding change: c.43G>C on transcript NM_020779.4 (MANE Select); coding-DNA position 43, G replaced by C.
Protein change: p.Val15Leu; replaces valine 15 with leucine.
Molecular consequence: missense variant.
Genome position (GRCh38, 1-based): chr2:19,989,264, C>G on the plus strand (G>C on the coding strand, the complement: WDR35 is on the minus strand). VCF-style: chr2-19989264-C-G. GRCh37 (hg19) VCF-style: chr2-20189025-C-G.
Other names: c.43G>C, p.Val15Leu (NM_001006657.2); short protein forms V15L.
Identifiers: ClinVar variation 3359718 (VCV003359718.2).